The following is an entry in ClinVar:

NM_004239.4(TRIP11):c.1240G>T (p.Ala414Ser)

Gene: TRIP11 (thyroid hormone receptor interactor 11; minus strand). Cytogenetic location: 14q32.12.
Variant type: single nucleotide variant.
Coding change: c.1240G>T on transcript NM_004239.4 (MANE Select); coding-DNA position 1240, G replaced by T.
Protein change: p.Ala414Ser; replaces alanine 414 with serine.
Molecular consequence: missense variant.
Genome position (GRCh38, 1-based): chr14:92,011,060, C>A on the plus strand (G>T on the coding strand, the complement: TRIP11 is on the minus strand). VCF-style: chr14-92011060-C-A. GRCh37 (hg19) VCF-style: chr14-92477404-C-A.
Other names: c.1237G>T, p.Ala413Ser (NM_001321851.1); c.1240G>T (NM_004239.3); short protein forms A413S, A414S.
Identifiers: ClinVar variation 1330813 (VCV001330813.8), dbSNP rs761670358, ClinGen allele CA7313983.

ClinVar aggregate classification (germline): Uncertain significance. Review status: criteria provided, multiple submitters, no conflicts (2 of 4 stars). 2 submissions from 2 submitters: Uncertain significance (2). Last evaluated 2025-03-06.

Conditions:
Inborn genetic diseases. Identifiers: MedGen C0950123, MeSH D030342.

Allele frequency attached by ClinVar (database versions not stated): ExAC 0.00001; gnomAD exomes 0.00001 and 0.00002; TOPMed 0.00001.
gnomAD v4.1: 35 of 1,613,916 alleles (0.0022%); highest among the groups gnomAD compares: Non-Finnish European, 0.003%; no homozygotes.

Submissions (2):

Ambry Genetics
Classification: Uncertain significance for Inborn genetic diseases. Last evaluated: 2025-03-06. Review status: criteria provided, single submitter. Criteria: Ambry Variant Classification Scheme 2023. Collection method: clinical testing. Allele origin: germline.

ARUP Laboratories, Molecular Genetics and Genomics, ARUP Laboratories
Classification: Uncertain significance. Last evaluated: 2021-09-03. Review status: criteria provided, single submitter. Criteria: ARUP Molecular Germline Variant Investigation Process 2021. Collection method: clinical testing. Allele origin: germline.
Comment: The TRIP11 c.1240G>T; p.Ala414Ser variant (rs761670358), to our knowledge, is not reported in the medical literature or gene specific databases. This variant is found in the general population with an overall allele frequency of 0.0012% (3/251,244 alleles) in the Genome Aggregation Database. The alanine at codon 414 is weakly conserved, and computational analyses predict that this variant is neutral (REVEL: 0.108). However, due to limited information, the clinical significance of the p.Ala414Ser variant is uncertain at this time.